The following is an entry in ClinVar:

NM_002775.5(HTRA1):c.1144T>C (p.Tyr382His)

Gene: HTRA1 (HtrA serine peptidase 1; plus strand). Cytogenetic location: 10q26.13.
Variant type: single nucleotide variant.
Coding change: c.1144T>C on transcript NM_002775.5 (MANE Select); coding-DNA position 1144, T replaced by C.
Protein change: p.Tyr382His; replaces tyrosine 382 with histidine.
Molecular consequence: missense variant.
Genome position (GRCh38, 1-based): chr10:122,510,119, T>C. VCF-style: chr10-122510119-T-C. GRCh37 (hg19) VCF-style: chr10-124269635-T-C.
Other names: short protein forms Y382H.
Identifiers: ClinVar variation 3031274 (VCV003031274.2), dbSNP rs775104013, ClinGen allele CA5726073.

ClinVar aggregate classification (germline): Uncertain significance (0 of 4 stars; one submission).

Conditions:
HTRA1-related disorder. Also called: HTRA1-related condition.

Allele frequency attached by ClinVar (database versions not stated): ExAC 0.00001; gnomAD exomes 0.00001; TOPMed 0.00001.
gnomAD v4.1: 16 of 1,613,924 alleles (0.00099%); highest among the groups gnomAD compares: Non-Finnish European, 0.0013%; no homozygotes.

Submission:

PreventionGenetics, part of Exact Sciences
Classification: Uncertain significance for HTRA1-related condition. Last evaluated: 2024-01-04. Review status: no assertion criteria provided. Collection method: clinical testing. Allele origin: germline.
Comment: The HTRA1 c.1144T>C variant is predicted to result in the amino acid substitution p.Tyr382His. To our knowledge, this variant has not been reported in the literature or in a large population database, indicating this variant is rare. At this time, the clinical significance of this variant is uncertain due to the absence of conclusive functional and genetic evidence.